The following is an entry in ClinVar:

ClinVar aggregate classification (germline): Uncertain significance. Review status: criteria provided, multiple submitters, no conflicts (2 of 4 stars). 3 submissions from 3 submitters: Uncertain significance (3). Last evaluated 2024-12-08.

Conditions:
Capillary malformation-arteriovenous malformation syndrome. Also called: Capillary malformation-arteriovenous malformation. Identifiers: Orphanet 137667, MedGen C1842180, MONDO:0012016.
Cardiovascular phenotype. Identifiers: MedGen CN230736.

Allele frequency attached by ClinVar (database versions not stated): gnomAD 0.00002; TOPMed 0.00002.

Submissions (3):

Labcorp Genetics (formerly Invitae), Labcorp
Classification: Uncertain significance for Capillary malformation-arteriovenous malformation syndrome. Last evaluated: 2024-12-08. Review status: criteria provided, single submitter. Criteria: Invitae Variant Classification Sherloc (09022015). Collection method: clinical testing. Allele origin: germline.
Comment: This sequence change replaces glycine, which is neutral and non-polar, with glutamic acid, which is acidic and polar, at codon 83 of the RASA1 protein (p.Gly83Glu). This variant is not present in population databases (gnomAD no frequency). This variant has not been reported in the literature in individuals affected with RASA1-related conditions. ClinVar contains an entry for this variant (Variation ID: 354506). An algorithm developed to predict the effect of missense changes on protein structure and function (PolyPhen-2) suggests that this variant is likely to be disruptive. In summary, the available evidence is currently insufficient to determine the role of this variant in disease. Therefore, it has been classified as a Variant of Uncertain Significance.

GeneDx
Classification: Uncertain significance. Last evaluated: 2024-08-01. Review status: criteria provided, single submitter. Criteria: GeneDx Variant Classification Process June 2021. Collection method: clinical testing. Allele origin: germline. Affected: yes.
Comment: Not observed at significant frequency in large population cohorts (gnomAD); In silico analysis indicates that this missense variant does not alter protein structure/function; Has not been previously published as pathogenic or benign to our knowledge

Ambry Genetics
Classification: Uncertain significance for Cardiovascular phenotype. Last evaluated: 2021-11-19. Review status: criteria provided, single submitter. Criteria: Ambry Variant Classification Scheme 2023. Collection method: clinical testing. Allele origin: germline.
Comment: The p.G83E variant (also known as c.248G>A), located in coding exon 1 of the RASA1 gene, results from a G to A substitution at nucleotide position 248. The glycine at codon 83 is replaced by glutamic acid, an amino acid with similar properties. This amino acid position is conserved. In addition, this alteration is predicted to be tolerated by in silico analysis. Since supporting evidence is limited at this time, the clinical significance of this alteration remains unclear.

NM_002890.3(RASA1):c.248G>A (p.Gly83Glu)

Gene: RASA1 (RAS p21 protein activator 1; plus strand). Cytogenetic location: 5q14.3.
Variant type: single nucleotide variant.
Coding change: c.248G>A on transcript NM_002890.3 (MANE Select); coding-DNA position 248, G replaced by A.
Protein change: p.Gly83Glu; replaces glycine 83 with glutamic acid.
Molecular consequence: missense variant.
Genome position (GRCh38, 1-based): chr5:87,268,699, G>A. VCF-style: chr5-87268699-G-A. GRCh37 (hg19) VCF-style: chr5-86564516-G-A.
Other names: short protein forms G83E.
Identifiers: ClinVar variation 354506 (VCV000354506.16), dbSNP rs755788420, ClinGen allele CA10625338.